The following is an entry in ClinVar:

NM_001282933.2(ZNF341):c.2281C>T (p.Arg761Cys)

Genes: ZNF341 (zinc finger protein 341; plus strand), ZNF341-AS1 (ZNF341 antisense RNA 1; minus strand). Cytogenetic location: 20q11.22.
Variant type: single nucleotide variant.
Coding change: c.2281C>T on transcript NM_001282933.2 (MANE Select); coding-DNA position 2281, C replaced by T.
Protein change: p.Arg761Cys; replaces arginine 761 with cysteine.
Molecular consequence: missense variant. On other transcripts: non-coding transcript variant (1).
Genome position (GRCh38, 1-based): chr20:33,791,233, C>T. VCF-style: chr20-33791233-C-T. GRCh37 (hg19) VCF-style: chr20-32379039-C-T.
Other names: c.2011C>T, p.Arg671Cys (NM_001282935.2); c.2260C>T, p.Arg754Cys (NM_032819.5); short protein forms R671C, R761C, R754C.
Identifiers: ClinVar variation 1437899 (VCV001437899.6), dbSNP rs772588786, ClinGen allele CA9819766.
Genomic context (GRCh38, chr20:33,791,233, plus strand): 5'-CTGCAAACCCGGCGGCCCCCCCAGAGGAGGGCAGCCCCCCGCAGTTGCGGCAGTGGTGGG[C>T]GCAAGGTGCTGACCCCCTTGCCTGACCCGCTGGGGCTGGAGGAGCTGAAGGACACAGGGG-3'
Protein context (NP_001269862.1, residues 751-771): AAPRSCGSGG[Arg761Cys]KVLTPLPDPL

ClinVar aggregate classification (germline): Uncertain significance (1 of 4 stars; one submission).

Allele frequency attached by ClinVar (database versions not stated): gnomAD 0.00001; TOPMed 0.00002.
gnomAD v4.1: 32 of 1,611,662 alleles (0.002%); highest among the groups gnomAD compares: South Asian, 0.018%; no homozygotes.

Submission:

Labcorp Genetics (formerly Invitae), Labcorp
Classification: Uncertain significance. Last evaluated: 2022-03-22. Review status: criteria provided, single submitter. Criteria: Invitae Variant Classification Sherloc (09022015). Collection method: clinical testing. Allele origin: germline.
Comment: This sequence change replaces arginine, which is basic and polar, with cysteine, which is neutral and slightly polar, at codon 754 of the ZNF341 protein (p.Arg754Cys). This variant is present in population databases (rs772588786, gnomAD 0.02%). This variant has not been reported in the literature in individuals affected with ZNF341-related conditions. Algorithms developed to predict the effect of missense changes on protein structure and function output the following: SIFT: "Deleterious"; PolyPhen-2: "Benign"; Align-GVGD: "Class C0". The cysteine amino acid residue is found in multiple mammalian species, which suggests that this missense change does not adversely affect protein function. In summary, the available evidence is currently insufficient to determine the role of this variant in disease. Therefore, it has been classified as a Variant of Uncertain Significance.